The following is an entry in ClinVar:

NM_001365951.3(KIF1B):c.3667C>T (p.Pro1223Ser)

Gene: KIF1B (kinesin family member 1B; plus strand). Cytogenetic location: 1p36.22.
Variant type: single nucleotide variant.
Coding change: c.3667C>T on transcript NM_001365951.3 (MANE Select); coding-DNA position 3667, C replaced by T.
Protein change: p.Pro1223Ser; replaces proline 1223 with serine.
Molecular consequence: missense variant.
Genome position (GRCh38, 1-based): chr1:10,343,266, C>T. VCF-style: chr1-10343266-C-T. GRCh37 (hg19) VCF-style: chr1-10403324-C-T.
Other names: c.3667C>T, p.Pro1223Ser (NM_001365952.1); c.3529C>T, p.Pro1177Ser (NM_015074.3); short protein forms P1177S, P1223S.
Identifiers: ClinVar variation 4092342 (VCV004092342.1).

ClinVar aggregate classification (germline): Uncertain significance (1 of 4 stars; one submission).

Submission:

Ambry Genetics
Classification: Uncertain significance. Last evaluated: 2025-07-13. Review status: criteria provided, single submitter. Criteria: Ambry Variant Classification Scheme 2023. Collection method: clinical testing. Allele origin: germline.
Comment: The p.P1177S variant (also known as c.3529C>T), located in coding exon 31 of the KIF1B gene, results from a C to T substitution at nucleotide position 3529. The proline at codon 1177 is replaced by serine, an amino acid with similar properties. This amino acid position is conserved. In addition, this alteration is predicted to be tolerated by in silico analysis. Based on the available evidence, the clinical significance of this variant remains unclear.